The following is an entry in ClinVar:

NM_002470.4(MYH3):c.736G>C (p.Gly246Arg)

Gene: MYH3 (myosin heavy chain 3; minus strand). Cytogenetic location: 17p13.1.
Variant type: single nucleotide variant.
Coding change: c.736G>C on transcript NM_002470.4 (MANE Select); coding-DNA position 736, G replaced by C.
Protein change: p.Gly246Arg; replaces glycine 246 with arginine.
Molecular consequence: missense variant.
Genome position (GRCh38, 1-based): chr17:10,647,426, C>G on the plus strand (G>C on the coding strand, the complement: MYH3 is on the minus strand). VCF-style: chr17-10647426-C-G. GRCh37 (hg19) VCF-style: chr17-10550743-C-G.
Other names: short protein forms G246R.
Identifiers: ClinVar variation 3658914 (VCV003658914.2).

ClinVar aggregate classification (germline): Uncertain significance (1 of 4 stars; one submission).

Submission:

Labcorp Genetics (formerly Invitae), Labcorp
Classification: Uncertain significance. Last evaluated: 2024-07-06. Review status: criteria provided, single submitter. Criteria: Invitae Variant Classification Sherloc (09022015). Collection method: clinical testing. Allele origin: germline.
Comment: This sequence change replaces glycine, which is neutral and non-polar, with arginine, which is basic and polar, at codon 246 of the MYH3 protein (p.Gly246Arg). This variant is not present in population databases (gnomAD no frequency). This variant has not been reported in the literature in individuals affected with MYH3-related conditions. An algorithm developed to predict the effect of missense changes on protein structure and function (PolyPhen-2) suggests that this variant is likely to be disruptive. Algorithms developed to predict the effect of sequence changes on RNA splicing suggest that this variant may disrupt the consensus splice site. In summary, the available evidence is currently insufficient to determine the role of this variant in disease. Therefore, it has been classified as a Variant of Uncertain Significance.